The following is an entry in ClinVar:

NM_001844.5(COL2A1):c.3583G>A (p.Glu1195Lys)

Gene: COL2A1 (collagen type II alpha 1 chain; minus strand). Cytogenetic location: 12q13.11.
Variant type: single nucleotide variant.
Coding change: c.3583G>A on transcript NM_001844.5 (MANE Select); coding-DNA position 3583, G replaced by A.
Protein change: p.Glu1195Lys; replaces glutamic acid 1195 with lysine.
Molecular consequence: missense variant.
Genome position (GRCh38, 1-based): chr12:47,975,977, C>T on the plus strand (G>A on the coding strand, the complement: COL2A1 is on the minus strand). VCF-style: chr12-47975977-C-T. GRCh37 (hg19) VCF-style: chr12-48369760-C-T.
Other names: c.3376G>A, p.Glu1126Lys (NM_033150.3); short protein forms E1126K, E1195K.
Identifiers: ClinVar variation 2688822 (VCV002688822.6), dbSNP rs1186663188, ClinGen allele CA384537281.
Genomic context (GRCh38, chr12:47,975,977, plus strand): 5'-GATGGTAGGGACACCTCGACAGCAGGGAAGGAGTCAGGACACTTACAGCAGGGCCGGTTT[C>T]GCCTGATCGTCCACGGGGACCAGGAGGCCCAATGGGGCCAGGGATTCCATTAGCACCATC-3'
Protein context (NP_001835.3, residues 1185-1205): GPPGPRGRSG[Glu1195Lys]TGPAGPPGNP

ClinVar aggregate classification (germline): Uncertain significance. Review status: criteria provided, multiple submitters, no conflicts (2 of 4 stars). 3 submissions from 3 submitters: Uncertain significance (3). Last evaluated 2023-10-17.

Allele frequency attached by ClinVar (database versions not stated): gnomAD 0.00001; gnomAD exomes 0.00001.
gnomAD v4.1: 9 of 1,613,514 alleles (0.00056%); highest among the groups gnomAD compares: East Asian, 0.0067%; no homozygotes.

Submissions (3):

Labcorp Genetics (formerly Invitae), Labcorp
Classification: Uncertain significance. Last evaluated: 2023-10-17. Review status: criteria provided, single submitter. Criteria: Invitae Variant Classification Sherloc (09022015). Collection method: clinical testing. Allele origin: germline.
Comment: This sequence change replaces glutamic acid, which is acidic and polar, with lysine, which is basic and polar, at codon 1195 of the COL2A1 protein (p.Glu1195Lys). This variant is present in population databases (no rsID available, gnomAD 0.002%). This variant has not been reported in the literature in individuals affected with COL2A1-related conditions. Advanced modeling of protein sequence and biophysical properties (such as structural, functional, and spatial information, amino acid conservation, physicochemical variation, residue mobility, and thermodynamic stability) has been performed at Invitae for this missense variant, however the output from this modeling did not meet the statistical confidence thresholds required to predict the impact of this variant on COL2A1 protein function. In summary, the available evidence is currently insufficient to determine the role of this variant in disease. Therefore, it has been classified as a Variant of Uncertain Significance.

Revvity Omics, Revvity
Classification: Uncertain significance. Last evaluated: 2023-06-19. Review status: criteria provided, single submitter. Criteria: ACMG Guidelines, 2015. Collection method: clinical testing. Allele origin: germline.

Blueprint Genetics
Classification: Uncertain significance. Last evaluated: 2021-09-21. Review status: criteria provided, single submitter. Criteria: ACMG Guidelines, 2015. Collection method: clinical testing. Allele origin: germline.